The following is an entry in ClinVar:

ClinVar aggregate classification (germline): Uncertain significance (1 of 4 stars; one submission).

Conditions:
Pyogenic bacterial infections due to MyD88 deficiency (IMD68). Also called: PYOGENIC BACTERIAL INFECTIONS, RECURRENT, DUE TO MYD88 DEFICIENCY. Identifiers: Orphanet 183713, MedGen C2677092, MONDO:0012839, OMIM 612260.

Submission:

Labcorp Genetics (formerly Invitae), Labcorp
Classification: Uncertain significance for Pyogenic bacterial infections due to MyD88 deficiency. Last evaluated: 2021-12-08. Review status: criteria provided, single submitter. Criteria: Invitae Variant Classification Sherloc (09022015). Collection method: clinical testing. Allele origin: germline.
Comment: Algorithms developed to predict the effect of missense changes on protein structure and function are either unavailable or do not agree on the potential impact of this missense change (SIFT: "Tolerated"; PolyPhen-2: "Possibly Damaging"; Align-GVGD: "Class C15"). ClinVar contains an entry for this variant (Variation ID: 653936). This variant has not been reported in the literature in individuals affected with MYD88-related conditions. This variant is not present in population databases (gnomAD no frequency). This sequence change replaces leucine, which is neutral and non-polar, with valine, which is neutral and non-polar, at codon 265 of the MYD88 protein (p.Leu265Val). In summary, the available evidence is currently insufficient to determine the role of this variant in disease. Therefore, it has been classified as a Variant of Uncertain Significance.

NM_002468.5(MYD88):c.754C>G (p.Leu252Val)

Gene: MYD88 (MYD88 innate immune signal transduction adaptor; plus strand). Cytogenetic location: 3p22.2.
Variant type: single nucleotide variant.
Coding change: c.754C>G on transcript NM_002468.5 (MANE Select); coding-DNA position 754, C replaced by G.
Protein change: p.Leu252Val; replaces leucine 252 with valine.
Molecular consequence: missense variant.
Genome position (GRCh38, 1-based): chr3:38,141,149, C>G. VCF-style: chr3-38141149-C-G. GRCh37 (hg19) VCF-style: chr3-38182640-C-G.
Other names: c.778C>G, p.Leu260Val (NM_001172567.2); c.619C>G, p.Leu207Val (NM_001172568.2); c.573C>G, p.Asp191Glu (NM_001172569.3); c.735C>G, p.Asp245Glu (NM_001365876.1); c.600C>G, p.Asp200Glu (NM_001365877.1); c.438C>G, p.Asp146Glu (NM_001172566.2); short protein forms L207V, D191E, D245E, L260V, D146E, D200E, L252V.
Identifiers: ClinVar variation 653936 (VCV000653936.6), dbSNP rs1575278069, ClinGen allele CA352134295.
Genomic context (GRCh38, chr3:38,141,149, plus strand): 5'-GGGGCAAGGGCCTGATGCCAGCATGGCACCCCTTGGCTTGCAGGTGCCCATCAGAAGCGA[C>G]TGATCCCCATCAAGTACAAGGCAATGAAGAAAGAGTTCCCCAGCATCCTGAGGTTCATCA-3'
Protein context (NP_002459.3, residues 242-262): SLSPGAHQKR[Leu252Val]IPIKYKAMKK